The following is an entry in ClinVar:

ClinVar aggregate classification (germline): Uncertain significance (1 of 4 stars; one submission).

gnomAD v4.1: 10 of 1,613,896 alleles (0.00062%); highest among the groups gnomAD compares: African/African-American, 0.0027%; no homozygotes.

Submission:

GeneDx
Classification: Uncertain significance. Last evaluated: 2024-11-02. Review status: criteria provided, single submitter. Criteria: GeneDx Variant Classification Process June 2021. Collection method: clinical testing. Allele origin: germline. Affected: yes.
Comment: Not observed at significant frequency in large population cohorts (gnomAD); In silico analysis supports that this missense variant has a deleterious effect on protein structure/function; Has not been previously published as pathogenic or benign to our knowledge

NM_021147.5(CCNO):c.487C>G (p.Arg163Gly)

Gene: CCNO (cyclin O; minus strand). Cytogenetic location: 5q11.2.
Variant type: single nucleotide variant.
Coding change: c.487C>G on transcript NM_021147.5 (MANE Select); coding-DNA position 487, C replaced by G.
Protein change: p.Arg163Gly; replaces arginine 163 with glycine.
Molecular consequence: missense variant. On other transcripts: non-coding transcript variant (3).
Genome position (GRCh38, 1-based): chr5:55,232,441, G>C on the plus strand (C>G on the coding strand, the complement: CCNO is on the minus strand). VCF-style: chr5-55232441-G-C. GRCh37 (hg19) VCF-style: chr5-54528269-G-C.
Other names: short protein forms R163G.
Identifiers: ClinVar variation 3897406 (VCV003897406.1).